The following is an entry in ClinVar:

ClinVar aggregate classification (germline): Likely benign. Review status: criteria provided, single submitter (1 of 4 stars). 2 submissions from 2 submitters: Likely benign (1). 1 of the submissions does not count toward it. Last evaluated 2024-09-03.

Conditions:
ZEB1-related disorder. Also called: ZEB1-related condition.

Allele frequency attached by ClinVar (database versions not stated): 1000 Genomes Project 30x 0.00016; 1000 Genomes Project 0.00020; ESP Exome Variant Server 0.00031; gnomAD 0.00031; TOPMed 0.00038; ExAC 0.00039; gnomAD exomes 0.00059.
gnomAD v4.1: 892 of 1,612,692 alleles (0.055%); highest among the groups gnomAD compares: Non-Finnish European, 0.072%; no homozygotes.

Submissions (2):

Blueprint Genetics
Classification: Likely benign. Last evaluated: 2024-09-03. Review status: criteria provided, single submitter. Criteria: ACMG Guidelines, 2015. Collection method: clinical testing. Allele origin: germline.

PreventionGenetics, part of Exact Sciences
Classification: Likely benign for ZEB1-related condition. Last evaluated: 2019-03-11. Review status: no assertion criteria provided. Collection method: clinical testing. Allele origin: germline. Not counted in ClinVar's aggregate classification.
Comment: This variant is classified as likely benign based on ACMG/AMP sequence variant interpretation guidelines (Richards et al. 2015 PMID: 25741868, with internal and published modifications).

NM_001174096.2(ZEB1):c.3093G>A (p.Arg1031=)

Gene: ZEB1 (zinc finger E-box binding homeobox 1; plus strand). Cytogenetic location: 10p11.22.
Variant type: single nucleotide variant.
Coding change: c.3093G>A on transcript NM_001174096.2 (MANE Select); coding-DNA position 3093, G replaced by A.
Protein change: p.Arg1031=; no amino-acid change (arginine 1031 retained).
Molecular consequence: synonymous variant.
Genome position (GRCh38, 1-based): chr10:31,526,979, G>A. VCF-style: chr10-31526979-G-A. GRCh37 (hg19) VCF-style: chr10-31815907-G-A.
Other names: c.3042G>A, p.Arg1014= (NM_001128128.3); c.3030G>A, p.Arg1010= (NM_001174093.2); c.3039G>A, p.Arg1013= (NM_001174094.2); c.2889G>A, p.Arg963= (NM_001174095.2); c.2436G>A, p.Arg812= (NM_001323638.2, NM_001323641.2, NM_001323642.2 and 27 more transcripts); c.2868G>A, p.Arg956= (NM_001323674.2); c.2826G>A, p.Arg942= (NM_001323675.2); c.3051G>A, p.Arg1017= (NM_001323676.2); and 3 more.
Identifiers: ClinVar variation 3039873 (VCV003039873.3), dbSNP rs140617391, ClinGen allele CA5461902.